The following is an entry in ClinVar:

NM_005198.5(CHKB):c.880C>G (p.Pro294Ala)

Genes: CHKB (choline kinase beta; minus strand), CHKB-CPT1B (CHKB-CPT1B readthrough (NMD candidate); minus strand). Cytogenetic location: 22q13.33.
Variant type: single nucleotide variant.
Coding change: c.880C>G on transcript NM_005198.5 (MANE Select); coding-DNA position 880, C replaced by G.
Protein change: p.Pro294Ala; replaces proline 294 with alanine.
Molecular consequence: missense variant. On other transcripts: non-coding transcript variant (1).
Genome position (GRCh38, 1-based): chr22:50,580,021, G>C on the plus strand (C>G on the coding strand, the complement: CHKB is on the minus strand). VCF-style: chr22-50580021-G-C. GRCh37 (hg19) VCF-style: chr22-51018450-G-C.
Other names: short protein forms P294A.
Identifiers: ClinVar variation 3377576 (VCV003377576.1).

ClinVar aggregate classification (germline): Uncertain significance (1 of 4 stars; one submission).

Conditions:
Megaconial type congenital muscular dystrophy (MDCMC). Also called: CHKB-Related Muscular Dystrophy; MUSCULAR DYSTROPHY, CONGENITAL, WITH MITOCHONDRIAL STRUCTURAL ABNORMALITIES; CHKB-Related Muscle Diseases. Identifiers: Orphanet 280671, MedGen C1865233, MONDO:0011246, OMIM 602541.

Submission:

Neuberg Centre For Genomic Medicine, NCGM
Classification: Uncertain significance for Megaconial type congenital muscular dystrophy. Last evaluated: 2023-06-22. Review status: criteria provided, single submitter. Criteria: ACMG Guidelines, 2015. Collection method: clinical testing. Allele origin: germline. Inheritance: Autosomal recessive inheritance. Affected: yes.
Comment: The observed missense c.880C>G(p.Pro294Ala) variant in CHKB gene has not been reported previously as a pathogenic variant nor as a benign variant, to our knowledge. The p.Pro294Ala variant is absent in gnomAD Exomes database. This variant has not been reported to the ClinVar database. Multiple lines of computational evidence (Polyphen - Probably Damaging, SIFT - Damaging and MutationTaster - Disease causing) predict damaging effect on protein structure and function for this variant. The reference amino acid in CHKB is predicted as conserved by GERP++ and PhyloP across 100 vertebrates. The amino acid Pro at position 294 is changed to a Ala changing protein sequence and it might alter its composition and physico-chemical properties. For these reasons, this variant has been classified as Uncertain Significance (VUS).